The following is an entry in ClinVar:

ClinVar aggregate classification (germline): Uncertain significance. Review status: criteria provided, multiple submitters, no conflicts (2 of 4 stars). 3 submissions from 3 submitters: Uncertain significance (3). Last evaluated 2024-11-11.

Conditions:
Synpolydactyly type 2. Also called: SYNPOLYDACTYLY, 3/3-PRIME/4, ASSOCIATED WITH METACARPAL AND METATARSAL SYNOSTOSES. Identifiers: Orphanet 295197, Orphanet 93403, MedGen C1842422, MONDO:0011984, OMIM 608180.

Allele frequency attached by ClinVar (database versions not stated): gnomAD exomes 0.00007; ExAC 0.00014; gnomAD 0.00022 and 0.00025; TOPMed 0.00026; ESP Exome Variant Server 0.00062.
gnomAD v4.1: 94 of 1,613,960 alleles (0.0058%); highest among the groups gnomAD compares: African/African-American, 0.06%; no homozygotes.

Submissions (3):

Labcorp Genetics (formerly Invitae), Labcorp
Classification: Uncertain significance. Last evaluated: 2024-11-11. Review status: criteria provided, single submitter. Criteria: Invitae Variant Classification Sherloc (09022015). Collection method: clinical testing. Allele origin: germline.
Comment: This sequence change replaces arginine, which is basic and polar, with histidine, which is basic and polar, at codon 562 of the FBLN1 protein (p.Arg562His). This variant is present in population databases (rs146772136, gnomAD 0.06%), and has an allele count higher than expected for a pathogenic variant. This variant has not been reported in the literature in individuals affected with FBLN1-related conditions. ClinVar contains an entry for this variant (Variation ID: 1514922). An algorithm developed to predict the effect of missense changes on protein structure and function (PolyPhen-2) suggests that this variant is likely to be disruptive. In summary, the available evidence is currently insufficient to determine the role of this variant in disease. Therefore, it has been classified as a Variant of Uncertain Significance.

Revvity Omics, Revvity
Classification: Uncertain significance for Synpolydactyly type 2. Last evaluated: 2020-07-29. Review status: criteria provided, single submitter. Criteria: ACMG Guidelines, 2015. Collection method: clinical testing. Allele origin: germline.

Breakthrough Genomics
Classification: Uncertain significance. Review status: criteria provided, single submitter. Criteria: ACMG Guidelines, 2015. Collection method: not provided. Allele origin: germline. Inheritance: Autosomal dominant inheritance. Affected: yes.

NM_006486.3(FBLN1):c.1685G>A (p.Arg562His)

Gene: FBLN1 (fibulin 1; plus strand). Cytogenetic location: 22q13.31.
Variant type: single nucleotide variant.
Coding change: c.1685G>A on transcript NM_006486.3 (MANE Select); coding-DNA position 1685, G replaced by A.
Protein change: p.Arg562His; replaces arginine 562 with histidine.
Molecular consequence: missense variant.
Genome position (GRCh38, 1-based): chr22:45,550,603, G>A. VCF-style: chr22-45550603-G-A. GRCh37 (hg19) VCF-style: chr22-45946483-G-A.
Other names: c.1685G>A (NM_006486.2); c.1685G>A, p.Arg562His (NM_001996.4, NM_006485.4, NM_006487.3); short protein forms R562H.
Identifiers: ClinVar variation 1514922 (VCV001514922.11), dbSNP rs146772136, ClinGen allele CA10287039.
Genomic context (GRCh38, chr22:45,550,603, plus strand): 5'-GCTTCAACATCCAGGGCGGCTTCCGCTGCCTGGCCTTCGAGTGCCCTGAGAACTACCGCC[G>A]CTCCGCAGCCACGTAAGTCCCTTGGACCATGCCATCGTCGTCTGTCTGTGTTGGCCTTCC-3'
Protein context (NP_006477.3, residues 552-572): LAFECPENYR[Arg562His]SAATLQQEKT